The following is an entry in ClinVar:

NM_001267550.2(TTN):c.75816C>T (p.Gly25272=)

Genes: TTN (titin; minus strand), TTN-AS1 (TTN antisense RNA 1; plus strand). Cytogenetic location: 2q31.2.
Variant type: single nucleotide variant.
Coding change: c.75816C>T on transcript NM_001267550.2 (MANE Select); coding-DNA position 75816, C replaced by T.
Protein change: p.Gly25272=; no amino-acid change (glycine 25272 retained).
Molecular consequence: synonymous variant.
Genome position (GRCh38, 1-based): chr2:178,570,316, G>A on the plus strand (C>T on the coding strand, the complement: TTN is on the minus strand). VCF-style: chr2-178570316-G-A. GRCh37 (hg19) VCF-style: chr2-179435043-G-A.
Other names: c.70893C>T, p.Gly23631= (NM_001256850.1); c.48621C>T, p.Gly16207= (NM_003319.4); c.68112C>T, p.Gly22704= (NM_133378.4); c.48996C>T, p.Gly16332= (NM_133432.3); c.49197C>T, p.Gly16399= (NM_133437.4).
Identifiers: ClinVar variation 534969 (VCV000534969.7), dbSNP rs770708534, ClinGen allele CA1989998.

ClinVar aggregate classification (germline): Conflicting classifications of pathogenicity. Review status: criteria provided, conflicting classifications (1 of 4 stars). 4 submissions from 4 submitters: Uncertain significance (3); Likely benign (1). Last evaluated 2024-05-06.

Conditions:
Cardiovascular phenotype. Identifiers: MedGen CN230736.
Autosomal recessive limb-girdle muscular dystrophy type 2J (LGMDR10). Also called: Limb-girdle muscular dystrophy, type 2J; MUSCULAR DYSTROPHY, LIMB-GIRDLE, AUTOSOMAL RECESSIVE 10. Identifiers: Orphanet 140922, MedGen C1837342, MONDO:0012127, OMIM 608807.
Dilated cardiomyopathy 1G (CMD1G). Identifiers: Orphanet 154, MedGen C1858763, MONDO:0011400, OMIM 604145.
Hypertrophic cardiomyopathy 9. Also called: Familial hypertrophic cardiomyopathy 9. Identifiers: MedGen C1861065, MONDO:0013412, OMIM 613765.
Tibial muscular dystrophy (TMD). Also called: UDD MYOPATHY; Udd Distal Myopathy – Tibial Muscular Dystrophy; Tibial muscular dystrophy, tardive. Identifiers: Orphanet 609, MedGen C1838244, MONDO:0010870, OMIM 600334.
Early-onset myopathy with fatal cardiomyopathy (CMYO5). Also called: CONGENITAL MYOPATHY 5 WITH CARDIOMYOPATHY; Salih Myopathy. Identifiers: Orphanet 289377, MedGen C2673677, MONDO:0012714, OMIM 611705. Disease mechanism: loss of function.
Myopathy, myofibrillar, 9, with early respiratory failure (MFM9). Also called: EDSTROM MYOPATHY; MYOPATHY, PROXIMAL, WITH EARLY RESPIRATORY MUSCLE INVOLVEMENT; Hereditary myopathy with early respiratory failure; Myopathy, distal, with early respiratory failure, autosomal dominant. Identifiers: Orphanet 178464, Orphanet 34521, MedGen C1863599, MONDO:0011362, OMIM 603689.

Allele frequency attached by ClinVar (database versions not stated): gnomAD 0.00001; gnomAD exomes 0.00001; TOPMed 0.00001; ExAC 0.00003.
gnomAD v4.1: 16 of 1,613,134 alleles (0.00099%); highest among the groups gnomAD compares: Non-Finnish European, 0.0013%; no homozygotes.

Submissions (4):

Women's Health and Genetics/Laboratory Corporation of America, LabCorp
Classification: Uncertain significance. Last evaluated: 2024-05-06. Review status: criteria provided, single submitter. Criteria: LabCorp Variant Classification Summary - May 2015. Collection method: clinical testing. Allele origin: germline.
Comment: Variant summary: TTN c.68112C>T alters a conserved nucleotide resulting in a synonymous change in the A-band domain. Several computational tools predict a significant impact on normal splicing: Three predict the variant strengthens a cryptic 5' donor site. However, these predictions have yet to be confirmed by functional studies. The variant allele was found at a frequency of 1.2e-05 in 247488 control chromosomes. The available data on variant occurrences in the general population are insufficient to allow any conclusion about variant significance. To our knowledge, no occurrence of c.68112C>T in individuals affected with Limb-Girdle Muscular Dystrophy, Type 2J and no experimental evidence demonstrating its impact on protein function have been reported. ClinVar contains an entry for this variant (Variation ID: 534969). Based on the evidence outlined above, the variant was classified as uncertain significance.

Ambry Genetics
Classification: Likely benign for Cardiovascular phenotype. Last evaluated: 2023-03-07. Review status: criteria provided, single submitter. Criteria: Ambry Variant Classification Scheme 2023. Collection method: clinical testing. Allele origin: germline.

Fulgent Genetics
Classification: Uncertain significance for Tibial muscular dystrophy; Myopathy, myofibrillar, 9, with early respiratory failure; Dilated cardiomyopathy 1G; Autosomal recessive limb-girdle muscular dystrophy type 2J; Early-onset myopathy with fatal cardiomyopathy; Hypertrophic cardiomyopathy 9. Last evaluated: 2021-11-01. Review status: criteria provided, single submitter. Criteria: ACMG Guidelines, 2015. Collection method: clinical testing. Allele origin: unknown.

Labcorp Genetics (formerly Invitae), Labcorp
Classification: Uncertain significance for Dilated cardiomyopathy 1G; Autosomal recessive limb-girdle muscular dystrophy type 2J. Last evaluated: 2017-10-10. Review status: criteria provided, single submitter. Criteria: Invitae Variant Classification Sherloc (09022015). Collection method: clinical testing. Allele origin: germline.
Comment: This sequence change affects codon 25272 of the TTN mRNA. It is a 'silent' change, meaning that it does not change the encoded amino acid sequence of the TTN protein. This variant is present in population databases (rs770708534, ExAC 0.005%). This variant has not been reported in the literature in individuals with TTN-related disease. This variant identified in the TTN gene is located in the A band of the resulting protein (PMID: 25589632). It is unclear how this variant impacts the function of this protein. Algorithms developed to predict the effect of sequence changes on RNA splicing suggest that this variant may create or strengthen a splice site, but this prediction has not been confirmed by published transcriptional studies. In summary, the available evidence is currently insufficient to determine the role of this variant in disease. Therefore, it has been classified as a Variant of Uncertain Significance.

Literature cited by the submitters: PubMed 25589632 (cited by Labcorp Genetics (formerly Invitae), Labcorp).